The following is an entry in ClinVar:

ClinVar aggregate classification (germline): Pathogenic. Review status: reviewed by expert panel (3 of 4 stars). 3 submissions from 3 submitters: Pathogenic (1). 2 of the submissions do not count toward it. Last evaluated 2026-07-06.

Conditions:
Hurler syndrome. Also called: Severe MPS I (Hurler Syndrome); Gargoylism, Hurler Syndrome; MUCOPOLYSACCHARIDOSIS TYPE IH. Identifiers: Orphanet 93473, MedGen C0086795, MONDO:0011758, OMIM 607014.
Mucopolysaccharidosis type 1. Also called: IDUA deficiency; MPS I; Mucopolysaccharidosis Type I. Identifiers: Orphanet 579, MedGen C0023786, MONDO:0001586.

Submissions (3):

ClinGen Lysosomal Storage Disorder Variant Curation Expert Panel
Classification: Pathogenic for Mucopolysaccharidosis type 1. Last evaluated: 2026-07-06. Review status: reviewed by expert panel. Criteria: ClinGen LSD ACMG Specifications IDUA V1.2.0. Collection method: curation. Allele origin: germline. Inheritance: Autosomal recessive inheritance.
Comment: The NM_000203.5(IDUA):c.1524+1G>T variant in IDUA occurs within the canonical splice donor site of intron 10. It is predicted to cause skipping of biologically relevant exon 10 out of 14, resulting in a frameshift leading to nonsense-mediated decay in a gene in which loss-of-function is an established disease mechanism. This variant has been detected in at least 2 individuals with a diagnosis of Severe MPS I. Of those individuals, both were compound heterozygous for NM_000203.5(IDUA):c.1524+1G>T and NM_000203.5(IDUA):c.1205G>A (p.Trp402Ter), which has been classified as pathogenic by the ClinGen Lysosomal Diseases VCEP. Neither variant was confirmed in trans (2x0.5 points = 1pt) (PMID: 31194252) (PP4_Moderate, PM3). This variant is absent in gnomAD v4.1.0. (PM2_Supporting). There is a ClinVar entry for this variant (Variation ID: 555169). In summary, this variant meets the criteria to be classified as Pathogenic for MPS I based on the IDUA-specific ACMG/AMP criteria applied, as specified by the ClinGen Lysosomal Diseases Variant Curation Expert panel (Specifications Version 1.2.0): PVS1, PP4_Moderate, PM3, PM2_Supporting (Classification approved by the ClinGen Lysosomal Diseases Variant Curation Expert Panel on July 6, 2026)

Myriad Genetics, Inc.
Classification: Pathogenic for Mucopolysaccharidosis type 1. Last evaluated: 2025-04-07. Review status: criteria provided, single submitter. Criteria: Myriad Autosomal Dominant, Autosomal Recessive and X-Linked Classification Criteria (2023). Collection method: clinical testing. Allele origin: unknown. Not counted in ClinVar's aggregate classification.
Comment: NM_000203.3(IDUA):c.1524+1G>T is a variant in a canonical splice site classified as pathogenic in the context of mucopolysaccharidosis type I. c.1524+1G>T has been observed in cases with relevant disease (PMID: 35141277). Relevant functional assessments of this variant are not available in the literature. c.1524+1G>T has not been observed in referenced population frequency databases. In summary, NM_000203.3(IDUA):c.1524+1G>T is a variant in a canonical splice site in a gene where loss of function is a known mechanism of disease, is predicted to disrupt protein function, and has been observed more frequently in cases with the relevant disease than in healthy populations. Please note: this variant was assessed in the context of healthy population screening.

Counsyl
Classification: Likely pathogenic for Hurler syndrome. Last evaluated: 2017-11-21. Review status: no assertion criteria provided. Collection method: clinical testing. Allele origin: unknown. Not counted in ClinVar's aggregate classification.

Literature cited by the submitters: PubMed 35141277 (cited by Myriad Genetics, Inc.).

NM_000203.5(IDUA):c.1524+1G>T

Gene: IDUA (alpha-L-iduronidase; plus strand). Cytogenetic location: 4p16.3.
Variant type: single nucleotide variant.
Coding change: c.1524+1G>T on transcript NM_000203.5 (MANE Select); the canonical splice donor site of the intron after coding-DNA position 1524, G replaced by T.
Molecular consequence: splice donor variant.
Genome position (GRCh38, 1-based): chr4:1,003,158, G>T. VCF-style: chr4-1003158-G-T. GRCh37 (hg19) VCF-style: chr4-996946-G-T.
Other names: c.1128+1G>T (NM_001363576.1).
Identifiers: ClinVar variation 555169 (VCV000555169.4), dbSNP rs1553917483, ClinGen allele CA355964830.
Genomic context (GRCh38, chr4:1,003,158, plus strand): 5'-CGCCTGGGCCGGCCCGTCTTCCCCACGGCAGAGCAGTTCCGGCGCATGCGCGCGGCTGAG[G>T]TAGGTGGGCCGCGGAGGGGCGAGGGGCCGGGCCGGGCCGGGGTCCCGGGGGGGTGGGGTC-3'